The following is an entry in ClinVar:

NM_001696.4(ATP6V1E1):c.528C>T (p.Asp176=)

Gene: ATP6V1E1 (ATPase H+ transporting V1 subunit E1; minus strand). Cytogenetic location: 22q11.21.
Variant type: single nucleotide variant.
Coding change: c.528C>T on transcript NM_001696.4 (MANE Select); coding-DNA position 528, C replaced by T.
Protein change: p.Asp176=; no amino-acid change (aspartic acid 176 retained).
Molecular consequence: synonymous variant.
Genome position (GRCh38, 1-based): chr22:17,598,196, G>A on the plus strand (C>T on the coding strand, the complement: ATP6V1E1 is on the minus strand). VCF-style: chr22-17598196-G-A. GRCh37 (hg19) VCF-style: chr22-18080962-G-A.
Other names: c.462C>T, p.Asp154= (NM_001039366.1); c.438C>T, p.Asp146= (NM_001039367.1).
Identifiers: ClinVar variation 789862 (VCV000789862.51), dbSNP rs73391487, ClinGen allele CA10090056.

ClinVar aggregate classification (germline): Benign/Likely benign. Review status: criteria provided, multiple submitters, no conflicts (2 of 4 stars). 5 submissions from 5 submitters: Benign (2); Likely benign (3). Last evaluated 2026-09-01.

Allele frequency attached by ClinVar (database versions not stated): ExAC 0.00309; gnomAD exomes 0.00318 and 0.00322; ESP Exome Variant Server 0.00377; gnomAD 0.00407 and 0.00413; TOPMed 0.00465; 1000 Genomes Project 30x 0.00562; 1000 Genomes Project 0.00639.

Submissions (33):

CeGaT Center for Human Genetics Tuebingen
Classification: Likely benign. Last evaluated: 2026-09-01. Review status: criteria provided, single submitter. Criteria: CeGaT Center For Human Genetics Tuebingen Variant Classification Criteria Version 2. Collection method: clinical testing. Allele origin: germline. Affected: yes. Observed: 19 variant alleles.
Comment: ATP6V1E1: BP4, BP7, BS2

Labcorp Genetics (formerly Invitae), Labcorp
Classification: Benign. Last evaluated: 2026-02-02. Review status: criteria provided, single submitter. Criteria: Invitae Variant Classification Sherloc (09022015). Collection method: clinical testing. Allele origin: germline.

Blueprint Genetics
Classification: Likely benign. Last evaluated: 2024-11-28. Review status: criteria provided, single submitter. Criteria: ACMG Guidelines, 2015. Collection method: clinical testing. Allele origin: germline.

GeneDx
Classification: Benign. Last evaluated: 2020-12-07. Review status: criteria provided, single submitter. Criteria: GeneDx Variant Classification Process June 2021. Collection method: clinical testing. Allele origin: germline. Affected: yes.

Breakthrough Genomics
Classification: Likely benign. Review status: criteria provided, single submitter. Criteria: ACMG Guidelines, 2015. Collection method: not provided. Allele origin: germline. Inheritance: Autosomal recessive inheritance. Affected: yes.

Dr. Peter K. Rogan Lab, Western University
No classification provided (evidence only). Condition: Clear cell carcinoma of kidney. Review status: no classification provided. Collection method: in vitro. Allele origin: not applicable. Functional consequence: skipped exon, retained intron. Not counted in ClinVar's aggregate classification.

Dr. Peter K. Rogan Lab, Western University
No classification provided (evidence only). Condition: Clear cell carcinoma of kidney. Review status: no classification provided. Collection method: in vitro. Allele origin: not applicable. Functional consequence: skipped exon. Not counted in ClinVar's aggregate classification.

Dr. Peter K. Rogan Lab, Western University
No classification provided (evidence only). Condition: Clear cell carcinoma of kidney. Review status: no classification provided. Collection method: in vitro. Allele origin: not applicable. Functional consequence: skipped exon, retained intron. Not counted in ClinVar's aggregate classification.

Dr. Peter K. Rogan Lab, Western University
No classification provided (evidence only). Condition: Lung cancer. Review status: no classification provided. Collection method: in vitro. Allele origin: not applicable. Functional consequence: retained intron. Not counted in ClinVar's aggregate classification.

Dr. Peter K. Rogan Lab, Western University
No classification provided (evidence only). Condition: Lung cancer. Review status: no classification provided. Collection method: in vitro. Allele origin: not applicable. Functional consequence: retained intron. Not counted in ClinVar's aggregate classification.

Dr. Peter K. Rogan Lab, Western University
No classification provided (evidence only). Condition: Melanoma. Review status: no classification provided. Collection method: in vitro. Allele origin: not applicable. Functional consequence: skipped exon. Not counted in ClinVar's aggregate classification.

Dr. Peter K. Rogan Lab, Western University
No classification provided (evidence only). Condition: Familial cancer of breast. Review status: no classification provided. Collection method: in vitro. Allele origin: not applicable. Functional consequence: skipped exon, retained intron. Not counted in ClinVar's aggregate classification.

Dr. Peter K. Rogan Lab, Western University
No classification provided (evidence only). Condition: Familial cancer of breast. Review status: no classification provided. Collection method: in vitro. Allele origin: not applicable. Functional consequence: skipped exon, retained intron. Not counted in ClinVar's aggregate classification.

Dr. Peter K. Rogan Lab, Western University
No classification provided (evidence only). Condition: Familial cancer of breast. Review status: no classification provided. Collection method: in vitro. Allele origin: not applicable. Functional consequence: skipped exon, retained intron. Not counted in ClinVar's aggregate classification.

Dr. Peter K. Rogan Lab, Western University
No classification provided (evidence only). Condition: Familial cancer of breast. Review status: no classification provided. Collection method: in vitro. Allele origin: not applicable. Functional consequence: retained intron. Not counted in ClinVar's aggregate classification.

Dr. Peter K. Rogan Lab, Western University
No classification provided (evidence only). Condition: Familial cancer of breast. Review status: no classification provided. Collection method: in vitro. Allele origin: not applicable. Functional consequence: skipped exon, retained intron. Not counted in ClinVar's aggregate classification.

Dr. Peter K. Rogan Lab, Western University
No classification provided (evidence only). Condition: Familial cancer of breast. Review status: no classification provided. Collection method: in vitro. Allele origin: not applicable. Functional consequence: retained intron. Not counted in ClinVar's aggregate classification.

Dr. Peter K. Rogan Lab, Western University
No classification provided (evidence only). Condition: Acute myeloid leukemia. Review status: no classification provided. Collection method: in vitro. Allele origin: not applicable. Functional consequence: retained intron. Not counted in ClinVar's aggregate classification.

Dr. Peter K. Rogan Lab, Western University
No classification provided (evidence only). Condition: Colon adenocarcinoma. Review status: no classification provided. Collection method: in vitro. Allele origin: not applicable. Functional consequence: retained intron. Not counted in ClinVar's aggregate classification.

Dr. Peter K. Rogan Lab, Western University
No classification provided (evidence only). Condition: Thyroid cancer, nonmedullary, 1. Review status: no classification provided. Collection method: in vitro. Allele origin: not applicable. Functional consequence: retained intron. Not counted in ClinVar's aggregate classification.

Dr. Peter K. Rogan Lab, Western University
No classification provided (evidence only). Condition: Cervical cancer. Review status: no classification provided. Collection method: in vitro. Allele origin: not applicable. Functional consequence: skipped exon, retained intron. Not counted in ClinVar's aggregate classification.

Dr. Peter K. Rogan Lab, Western University
No classification provided (evidence only). Condition: Cervical cancer. Review status: no classification provided. Collection method: in vitro. Allele origin: not applicable. Functional consequence: retained intron. Not counted in ClinVar's aggregate classification.

Dr. Peter K. Rogan Lab, Western University
No classification provided (evidence only). Condition: Cervical cancer. Review status: no classification provided. Collection method: in vitro. Allele origin: not applicable. Functional consequence: retained intron. Not counted in ClinVar's aggregate classification.

Dr. Peter K. Rogan Lab, Western University
No classification provided (evidence only). Condition: Nonpapillary renal cell carcinoma. Review status: no classification provided. Collection method: in vitro. Allele origin: not applicable. Functional consequence: skipped exon, retained intron. Not counted in ClinVar's aggregate classification.

Dr. Peter K. Rogan Lab, Western University
No classification provided (evidence only). Condition: Cholangiocarcinoma. Review status: no classification provided. Collection method: in vitro. Allele origin: not applicable. Functional consequence: skipped exon, retained intron. Not counted in ClinVar's aggregate classification.

Dr. Peter K. Rogan Lab, Western University
No classification provided (evidence only). Condition: Ovarian serous cystadenocarcinoma. Review status: no classification provided. Collection method: in vitro. Allele origin: not applicable. Functional consequence: retained intron. Not counted in ClinVar's aggregate classification.

Dr. Peter K. Rogan Lab, Western University
No classification provided (evidence only). Condition: Ovarian serous cystadenocarcinoma. Review status: no classification provided. Collection method: in vitro. Allele origin: not applicable. Functional consequence: retained intron. Not counted in ClinVar's aggregate classification.

Dr. Peter K. Rogan Lab, Western University
No classification provided (evidence only). Condition: Gastric cancer. Review status: no classification provided. Collection method: in vitro. Allele origin: not applicable. Functional consequence: retained intron. Not counted in ClinVar's aggregate classification.

Dr. Peter K. Rogan Lab, Western University
No classification provided (evidence only). Condition: Gastric cancer. Review status: no classification provided. Collection method: in vitro. Allele origin: not applicable. Functional consequence: retained intron. Not counted in ClinVar's aggregate classification.

Dr. Peter K. Rogan Lab, Western University
No classification provided (evidence only). Condition: Uterine carcinosarcoma. Review status: no classification provided. Collection method: in vitro. Allele origin: not applicable. Functional consequence: retained intron. Not counted in ClinVar's aggregate classification.

Dr. Peter K. Rogan Lab, Western University
No classification provided (evidence only). Condition: Uveal melanoma. Review status: no classification provided. Collection method: in vitro. Allele origin: not applicable. Functional consequence: retained intron. Not counted in ClinVar's aggregate classification.

Dr. Peter K. Rogan Lab, Western University
No classification provided (evidence only). Condition: Uveal melanoma. Review status: no classification provided. Collection method: in vitro. Allele origin: not applicable. Functional consequence: retained intron. Not counted in ClinVar's aggregate classification.

Dr. Peter K. Rogan Lab, Western University
No classification provided (evidence only). Condition: Uveal melanoma. Review status: no classification provided. Collection method: in vitro. Allele origin: not applicable. Functional consequence: skipped exon. Not counted in ClinVar's aggregate classification.